The following is an entry in ClinVar:

ClinVar aggregate classification (germline): Benign (1 of 4 stars; one submission).

gnomAD v4.1: 873 of 440,130 alleles (0.2%); highest among the groups gnomAD compares: Non-Finnish European, 0.28%; 4 homozygotes.

Submission:

CeGaT Center for Human Genetics Tuebingen
Classification: Benign. Last evaluated: 2026-08-01. Review status: criteria provided, single submitter. Criteria: CeGaT Center For Human Genetics Tuebingen Variant Classification Criteria Version 2. Collection method: clinical testing. Allele origin: germline. Affected: yes. Observed: 2 variant alleles.
Comment: DENND5B: BS1, BS2

NM_144973.4(DENND5B):c.128-4544A>C

Gene: DENND5B (DENN domain containing 5B; minus strand). Cytogenetic location: 12p11.21.
Variant type: single nucleotide variant.
Coding change: c.128-4544A>C on transcript NM_144973.4 (MANE Select); 4544 bases into the intron before coding-DNA position 128, A replaced by C.
Molecular consequence: intron variant. On other transcripts: synonymous variant (1).
Genome position (GRCh38, 1-based): chr12:31,500,463, T>G on the plus strand (A>C on the coding strand, the complement: DENND5B is on the minus strand). VCF-style: chr12-31500463-T-G. GRCh37 (hg19) VCF-style: chr12-31653397-T-G.
Other names: c.96A>C, p.Ser32= (NM_001308339.2); c.128-792A>C (NM_001366890.1, NM_001366893.1); c.128-4544A>C (NM_001366891.1, NM_001366892.1).
Identifiers: ClinVar variation 3898089 (VCV003898089.7).